The following is an entry in ClinVar:

ClinVar aggregate classification (germline): Benign/Likely benign. Review status: criteria provided, multiple submitters, no conflicts (2 of 4 stars). 12 submissions from 12 submitters: Benign (2); Likely benign (7). 3 of the submissions do not count toward it. Last evaluated 2025-12-14.

Conditions:
STK11-related disorder. Also called: STK11-related condition.
Hereditary cancer-predisposing syndrome. Also called: Tumor predisposition; Neoplastic Syndromes, Hereditary; Hereditary neoplastic syndrome; Hereditary Cancer Syndrome. Identifiers: Orphanet 140162, MedGen C0027672, MeSH D009386, MONDO:0015356.
Peutz-Jeghers syndrome (PJS). Also called: POLYPOSIS, HAMARTOMATOUS INTESTINAL; POLYPS-AND-SPOTS SYNDROME; Peutz-Jeghers polyposis; Periorificial lentiginosis syndrome. Identifiers: Orphanet 2869, MedGen C0031269, MeSH D010580, MONDO:0008280, OMIM 175200.
Malignant tumor of breast. Also called: Malignant breast neoplasm; Cancer breast. Identifiers: MedGen C0006142, MONDO:0007254. Disease mechanism: loss of function.

Allele frequency attached by ClinVar (database versions not stated): gnomAD 0.00001 and 0.00003; gnomAD exomes 0.00001 and 0.00002; TOPMed 0.00002; ExAC 0.00006; 1000 Genomes Project 0.00040; 1000 Genomes Project 30x 0.00047.
gnomAD v4.1: 31 of 1,594,036 alleles (0.0019%); highest among the groups gnomAD compares: Admixed American, 0.01%; no homozygotes.

Submissions (12):

Labcorp Genetics (formerly Invitae), Labcorp
Classification: Likely benign for Peutz-Jeghers syndrome. Last evaluated: 2025-12-14. Review status: criteria provided, single submitter. Criteria: Invitae Variant Classification Sherloc (09022015). Collection method: clinical testing. Allele origin: germline.

KCCC/NGS Laboratory, Kuwait Cancer Control Center
Classification: Benign for Peutz-Jeghers syndrome. Last evaluated: 2025-02-01. Review status: criteria provided, single submitter. Criteria: ACMG Guidelines, 2015. Collection method: clinical testing. Allele origin: germline. Affected: no.

All of Us Research Program, National Institutes of Health
Classification: Likely benign for Peutz-Jeghers syndrome. Last evaluated: 2024-07-20. Review status: criteria provided, single submitter. Criteria: ACMG Guidelines, 2015. Collection method: clinical testing. Allele origin: germline. Inheritance: Autosomal dominant inheritance. Observed: 4 variant alleles, 4 heterozygotes.
Comment: This study involves interpretation of variants in research participants for the purpose of population health screening. Participant phenotype was not available at the time of variant classification. Additional details can be found in publication PMID: 35346344, PMCID: PMC8962531

Blueprint Genetics
Classification: Likely benign. Last evaluated: 2023-11-24. Review status: criteria provided, single submitter. Criteria: ACMG Guidelines, 2015. Collection method: clinical testing. Allele origin: germline.

Myriad Genetics, Inc.
Classification: Benign for Peutz-Jeghers syndrome. Last evaluated: 2023-04-13. Review status: criteria provided, single submitter. Criteria: Myriad Autosomal Dominant, Autosomal Recessive and X-Linked Classification Criteria (2023). Collection method: clinical testing. Allele origin: unknown.
Comment: This variant is considered benign. This variant is a silent/synonymous amino acid change and it is not expected to impact splicing.

GeneDx
Classification: Likely benign. Last evaluated: 2021-09-13. Review status: criteria provided, single submitter. Criteria: GeneDx Variant Classification Process June 2021. Collection method: clinical testing. Allele origin: germline. Affected: yes.

Quest Diagnostics Nichols Institute San Juan Capistrano
Classification: Likely benign. Last evaluated: 2017-08-30. Review status: criteria provided, single submitter. Criteria: Quest Diagnostics criteria. Collection method: clinical testing. Allele origin: germline.

Color Diagnostics, LLC DBA Color Health
Classification: Likely benign for Hereditary cancer-predisposing syndrome. Last evaluated: 2017-08-10. Review status: criteria provided, single submitter. Criteria: ACMG Guidelines, 2015. Collection method: clinical testing. Allele origin: germline.

Ambry Genetics
Classification: Likely benign for Hereditary cancer-predisposing syndrome. Last evaluated: 2014-10-22. Review status: criteria provided, single submitter. Criteria: Ambry Variant Classification Scheme 2023. Collection method: clinical testing. Allele origin: germline.

PreventionGenetics, part of Exact Sciences
Classification: Likely benign for STK11-related condition. Last evaluated: 2024-02-07. Review status: no assertion criteria provided. Collection method: clinical testing. Allele origin: germline. Not counted in ClinVar's aggregate classification.
Comment: This variant is classified as likely benign based on ACMG/AMP sequence variant interpretation guidelines (Richards et al. 2015 PMID: 25741868, with internal and published modifications).

Counsyl
Classification: Likely benign for Peutz-Jeghers syndrome. Last evaluated: 2016-10-05. Review status: no assertion criteria provided. Collection method: clinical testing. Allele origin: unknown. Not counted in ClinVar's aggregate classification.

Department of Pathology and Laboratory Medicine, Sinai Health System
Classification: Likely benign for Malignant tumor of breast. Review status: no assertion criteria provided. Collection method: clinical testing. Allele origin: unknown. Affected: yes. Study: The Canadian Open Genetics Repository (COGR). Not counted in ClinVar's aggregate classification.
Comment: The STK11 p.Asp207= variant was not identified in the literature nor was it identified in the LOVD 3.0, Zhejiang Colon Cancer Database, Insight Hereditary Tumors Database, databases. The variant was identified in dbSNP (ID: rs569380138) as With Likely benign allele, ClinVar (classified as likely benign by Ambry Genetics, Invitae, Counsyl), Clinvitae (classified as likely benign by ClinVar, Invitae), databases. The variant was identified in control databases in 3 of 210004 chromosomes at a frequency of 0.000014 (Genome Aggregation Database Feb 27, 2017). Breakdown of the observations by population include Latino in 1 of 30480 chromosomes (freq: 0.000033), EuropeanNon-Finnish in 1 of 92130 chromosomes (freq: 0.000011), EastAsian in 1 of 15104 chromosomes (freq: 0.000066), while the variant was not observed in the African, Other, AshkenaziJewish, EuropeanFinnish, and SouthAsian populations. The p.Asp207= variant is not expected to have clinical significance because it does not result in a change of amino acid and is not located in a known consensus splice site. In addition, in silico or computational prediction software programs (SpliceSiteFinder, MaxEntScan, NNSPLICE, GeneSplicer, HumanSpliceFinder) do not predict a difference in splicing. In summary, based on the above information, the clinical significance of this variant cannot be determined with certainty at this time although we would lean towards a more benign role for this variant. This variant is classified as likely benign.

NM_000455.5(STK11):c.621C>T (p.Asp207=)

Gene: STK11 (serine/threonine kinase 11; plus strand). Cytogenetic location: 19p13.3.
Variant type: single nucleotide variant.
Coding change: c.621C>T on transcript NM_000455.5 (MANE Select); coding-DNA position 621, C replaced by T.
Protein change: p.Asp207=; no amino-acid change (aspartic acid 207 retained).
Molecular consequence: synonymous variant.
Genome position (GRCh38, 1-based): chr19:1,220,604, C>T. VCF-style: chr19-1220604-C-T. GRCh37 (hg19) VCF-style: chr19-1220603-C-T.
Identifiers: ClinVar variation 184016 (VCV000184016.33), dbSNP rs569380138, ClinGen allele CA023174.
Genomic context (GRCh38, chr19:1,220,604, plus strand): 5'-CCGGGCACTCCCTGAGGGCTGCACGGCACCGCCACAGGCACTGCACCCGTTCGCGGCGGA[C>T]GACACCTGCCGGACCAGCCAGGGCTCCCCGGCTTTCCAGCCGCCCGAGATTGCCAACGGC-3'
Protein context (NP_000446.1, residues 197-217): VAEALHPFAA[Asp207=]DTCRTSQGSP